The following is an entry in ClinVar:

NM_182916.3(TRNT1):c.1250A>C (p.Lys417Thr)

Gene: TRNT1 (tRNA nucleotidyl transferase 1; plus strand). Cytogenetic location: 3p26.2.
Variant type: single nucleotide variant.
Coding change: c.1250A>C on transcript NM_182916.3 (MANE Select); coding-DNA position 1250, A replaced by C.
Protein change: p.Lys417Thr; replaces lysine 417 with threonine.
Molecular consequence: missense variant. On other transcripts: non-coding transcript variant (8).
Genome position (GRCh38, 1-based): chr3:3,148,099, A>C. VCF-style: chr3-3148099-A-C. GRCh37 (hg19) VCF-style: chr3-3189783-A-C.
Other names: c.1190A>C, p.Lys397Thr (NM_001302946.2); c.1250A>C, p.Lys417Thr (NM_001367321.1, NM_001367322.1, NM_001367323.1); short protein forms K397T, K417T.
Identifiers: ClinVar variation 3715480 (VCV003715480.2).

ClinVar aggregate classification (germline): Uncertain significance (1 of 4 stars; one submission).

Conditions:
Congenital sideroblastic anemia-B-cell immunodeficiency-periodic fever-developmental delay syndrome. Also called: Sideroblastic anemia with B-cell immunodeficiency, periodic fevers, and developmental delay. Identifiers: Orphanet 369861, MedGen C4015172, MONDO:0014487, OMIM 616084.

gnomAD v4.1: 11 of 1,613,806 alleles (0.00068%); highest among the groups gnomAD compares: Admixed American, 0.0017%; no homozygotes.

Submission:

Labcorp Genetics (formerly Invitae), Labcorp
Classification: Uncertain significance for Congenital sideroblastic anemia-B-cell immunodeficiency-periodic fever-developmental delay syndrome. Last evaluated: 2024-09-10. Review status: criteria provided, single submitter. Criteria: Invitae Variant Classification Sherloc (09022015). Collection method: clinical testing. Allele origin: germline.
Comment: This sequence change replaces lysine, which is basic and polar, with threonine, which is neutral and polar, at codon 417 of the TRNT1 protein (p.Lys417Thr). This variant is present in population databases (rs754594913, gnomAD 0.002%). This variant has not been reported in the literature in individuals affected with TRNT1-related conditions. An algorithm developed to predict the effect of missense changes on protein structure and function (PolyPhen-2) suggests that this variant is likely to be tolerated. In summary, the available evidence is currently insufficient to determine the role of this variant in disease. Therefore, it has been classified as a Variant of Uncertain Significance.